The following is an entry in ClinVar:

NM_212482.4(FN1):c.6091C>G (p.Pro2031Ala)

Gene: FN1 (fibronectin 1; minus strand). Cytogenetic location: 2q35.
Variant type: single nucleotide variant.
Coding change: c.6091C>G on transcript NM_212482.4 (MANE Select); coding-DNA position 6091, C replaced by G.
Protein change: p.Pro2031Ala; replaces proline 2031 with alanine.
Molecular consequence: missense variant.
Genome position (GRCh38, 1-based): chr2:215,375,280, G>C on the plus strand (C>G on the coding strand, the complement: FN1 is on the minus strand). VCF-style: chr2-215375280-G-C. GRCh37 (hg19) VCF-style: chr2-216240003-G-C.
Other names: c.5821C>G, p.Pro1941Ala (NM_001365521.2, NM_001365522.2, NM_001306130.2 and 2 more transcripts); c.5548C>G, p.Pro1850Ala (NM_001365523.2, NM_212474.3, NM_212476.3 and 2 more transcripts); c.5818C>G, p.Pro1940Ala (NM_001365524.2, NM_002026.4, NM_212478.3 and 2 more transcripts); c.6091C>G, p.Pro2031Ala (NM_001306129.2); short protein forms P1850A, P1940A, P1941A, P2031A.
Identifiers: ClinVar variation 3674340 (VCV003674340.2).
Genomic context (GRCh38, chr2:215,375,280, plus strand): 5'-TAGTAGCCTCTGTGACACCAGGGCGGGGCCGAGGGACCACTTCTCTGGGAGGAGACCCAG[G>C]CTTCTCATACTTGATGATGTAGCCGGTAATCCTGGCACGTGGCGGCTGCCATGATACCAG-3'
Protein context (NP_997647.2, residues 2021-2041): ITGYIIKYEK[Pro2031Ala]GSPPREVVPR

ClinVar aggregate classification (germline): Uncertain significance (1 of 4 stars; one submission).

gnomAD v4.1: 1 of 1,614,028 alleles (0.000062%); highest among the groups gnomAD compares: African/African-American, 0.0013%; no homozygotes.

Submission:

Labcorp Genetics (formerly Invitae), Labcorp
Classification: Uncertain significance. Last evaluated: 2024-08-23. Review status: criteria provided, single submitter. Criteria: Invitae Variant Classification Sherloc (09022015). Collection method: clinical testing. Allele origin: germline.
Comment: This sequence change replaces proline, which is neutral and non-polar, with alanine, which is neutral and non-polar, at codon 2031 of the FN1 protein (p.Pro2031Ala). This variant is not present in population databases (gnomAD no frequency). This variant has not been reported in the literature in individuals affected with FN1-related conditions. An algorithm developed to predict the effect of missense changes on protein structure and function (PolyPhen-2) suggests that this variant is likely to be disruptive. In summary, the available evidence is currently insufficient to determine the role of this variant in disease. Therefore, it has been classified as a Variant of Uncertain Significance.